The following is an entry in ClinVar:

NM_138454.2(NXNL1):c.*2C>A

Gene: NXNL1 (nucleoredoxin like 1; minus strand). Cytogenetic location: 19p13.11.
Variant type: single nucleotide variant.
Coding change: c.*2C>A on transcript NM_138454.2 (MANE Select); 2 bases downstream of the stop codon, C replaced by A.
Molecular consequence: 3 prime UTR variant.
Genome position (GRCh38, 1-based): chr19:17,455,645, G>T on the plus strand (C>A on the coding strand, the complement: NXNL1 is on the minus strand). VCF-style: chr19-17455645-G-T. GRCh37 (hg19) VCF-style: chr19-17566454-G-T.
Identifiers: ClinVar variation 3053068 (VCV003053068.2), dbSNP rs984306372, ClinGen allele CA306085207.

ClinVar aggregate classification (germline): Likely benign (0 of 4 stars; one submission).

Conditions:
NXNL1-related disorder. Also called: NXNL1-related condition.

Allele frequency attached by ClinVar (database versions not stated): gnomAD exomes 0.00002.
gnomAD v4.1: 100 of 1,362,358 alleles (0.0073%); highest among the groups gnomAD compares: African/African-American, 0.13%; no homozygotes.

Submission:

PreventionGenetics, part of Exact Sciences
Classification: Likely benign for NXNL1-related condition. Last evaluated: 2019-02-22. Review status: no assertion criteria provided. Collection method: clinical testing. Allele origin: germline.
Comment: This variant is classified as likely benign based on ACMG/AMP sequence variant interpretation guidelines (Richards et al. 2015 PMID: 25741868, with internal and published modifications).